The following is an entry in ClinVar:

NM_001145809.2(MYH14):c.3663C>T (p.Asn1221=)

Gene: MYH14 (myosin heavy chain 14; plus strand). Cytogenetic location: 19q13.33.
Variant type: single nucleotide variant.
Coding change: c.3663C>T on transcript NM_001145809.2 (MANE Select); coding-DNA position 3663, C replaced by T.
Protein change: p.Asn1221=; no amino-acid change (asparagine 1221 retained).
Molecular consequence: synonymous variant.
Genome position (GRCh38, 1-based): chr19:50,276,186, C>T. VCF-style: chr19-50276186-C-T. GRCh37 (hg19) VCF-style: chr19-50779443-C-T.
Other names: p.Asn1180=; c.3564C>T, p.Asn1188= (NM_001077186.2); c.3540C>T, p.Asn1180= (NM_024729.4).
Identifiers: ClinVar variation 164185 (VCV000164185.21), dbSNP rs78573213, ClinGen allele CA176894.

ClinVar aggregate classification (germline): Benign. Review status: criteria provided, multiple submitters, no conflicts (2 of 4 stars). 7 submissions from 7 submitters: Benign (7). Last evaluated 2026-01-25.

Conditions:
Autosomal dominant nonsyndromic hearing loss 4A. Also called: Deafness, autosomal dominant 4A. Identifiers: Orphanet 90635, MedGen C1833503, MONDO:0010915, OMIM 600652.

Allele frequency attached by ClinVar (database versions not stated): gnomAD exomes 0.00259 and 0.00534; ESP Exome Variant Server 0.00642; gnomAD 0.00779 and 0.00786; 1000 Genomes Project 30x 0.01015; 1000 Genomes Project 0.01078; ExAC 0.01288; TOPMed 0.00843.
gnomAD v4.1: 4,965 of 1,546,934 alleles (0.32%); highest among the groups gnomAD compares: African/African-American, 2.2%; 56 homozygotes.

Submissions (7):

Labcorp Genetics (formerly Invitae), Labcorp
Classification: Benign. Last evaluated: 2026-01-25. Review status: criteria provided, single submitter. Criteria: Invitae Variant Classification Sherloc (09022015). Collection method: clinical testing. Allele origin: germline.

Mayo Clinic Laboratories, Mayo Clinic
Classification: Benign. Last evaluated: 2019-04-25. Review status: criteria provided, single submitter. Criteria: ACMG Guidelines, 2015. Collection method: clinical testing. Allele origin: germline. Observed: 5 variant alleles.

Illumina Laboratory Services, Illumina
Classification: Benign for Autosomal dominant nonsyndromic hearing loss 4A. Last evaluated: 2018-01-13. Review status: criteria provided, single submitter. Criteria: ICSL Variant Classification Criteria 13 December 2019. Collection method: clinical testing. Allele origin: germline.
Comment: This variant was observed in the ICSL laboratory as part of a predisposition screen in an ostensibly healthy population. It had not been previously curated by ICSL or reported in the Human Gene Mutation Database (HGMD: prior to June 1st, 2018), and was therefore a candidate for classification through an automated scoring system. Utilizing variant allele frequency, disease prevalence and penetrance estimates, and inheritance mode, an automated score was calculated to assess if this variant is too frequent to cause the disease. Based on the score and internal cut-off values, a variant classified as benign is not then subjected to further curation. The score for this variant resulted in a classification of benign for this disease.

GeneDx
Classification: Benign. Last evaluated: 2017-12-27. Review status: criteria provided, single submitter. Criteria: GeneDx Variant Classification (06012015). Collection method: clinical testing. Allele origin: germline. Affected: yes.
Comment: This variant is considered likely benign or benign based on one or more of the following criteria: it is a conservative change, it occurs at a poorly conserved position in the protein, it is predicted to be benign by multiple in silico algorithms, and/or has population frequency not consistent with disease.

Eurofins Ntd Llc (ga)
Classification: Benign. Last evaluated: 2016-02-26. Review status: criteria provided, single submitter. Criteria: EGL Classification Definitions 2015. Collection method: clinical testing. Allele origin: germline. Observed: 3 variant alleles, 3 heterozygotes.

Laboratory for Molecular Medicine, Mass General Brigham Personalized Medicine
Classification: Benign. Last evaluated: 2012-05-07. Review status: criteria provided, single submitter. Criteria: LMM Criteria. Collection method: clinical testing. Allele origin: germline. Observed: 25 variant alleles.
Comment: "Asn1221Asn in Exon 28 of MYH14: This variant is not expected to have clinical s ignificance because it does not alter an amino acid residue, is not located with in the splice consensus sequence, and has been identified in 1.7% (61/3586) of A frican American chromosomes from a broad population by the NHLBI Exome Sequencin g Project (dbSNP rs78573213)."

Breakthrough Genomics
Classification: Benign. Review status: criteria provided, single submitter. Criteria: ACMG Guidelines, 2015. Collection method: not provided. Allele origin: germline. Inheritance: Autosomal dominant inheritance. Affected: yes.